The following is an entry in ClinVar:

NM_014915.3(ANKRD26):c.3772G>A (p.Asp1258Asn)

Gene: ANKRD26 (ankyrin repeat domain containing 26; minus strand). Cytogenetic location: 10p12.1.
Variant type: single nucleotide variant.
Coding change: c.3772G>A on transcript NM_014915.3 (MANE Select); coding-DNA position 3772, G replaced by A.
Protein change: p.Asp1258Asn; replaces aspartic acid 1258 with asparagine.
Molecular consequence: missense variant.
Genome position (GRCh38, 1-based): chr10:27,033,260, C>T on the plus strand (G>A on the coding strand, the complement: ANKRD26 is on the minus strand). VCF-style: chr10-27033260-C-T. GRCh37 (hg19) VCF-style: chr10-27322189-C-T.
Other names: c.3769G>A, p.Asp1257Asn (NM_001256053.2); short protein forms D1258N, D1257N.
Identifiers: ClinVar variation 3871075 (VCV003871075.1).
Genomic context (GRCh38, chr10:27,033,260, plus strand): 5'-TTGACATGTTAAATTTCATACATACTTGATTTCTGATTTGACCTAATTTCTTCTTTAAAT[C>T]CTGTGTCTCATCTTCTAAATTAATACGATAACGTGACGTAACCTCCAGTGAAGCCTCTGA-3'
Protein context (NP_055730.2, residues 1248-1268): YRINLEDETQ[Asp1258Asn]LKKKLGQIRN

ClinVar aggregate classification (germline): Uncertain significance (1 of 4 stars; one submission).

Conditions:
Inborn genetic diseases. Identifiers: MedGen C0950123, MeSH D030342.

Submission:

Ambry Genetics
Classification: Uncertain significance for Inborn genetic diseases. Last evaluated: 2025-02-08. Review status: criteria provided, single submitter. Criteria: Ambry Variant Classification Scheme 2023. Collection method: clinical testing. Allele origin: germline.
Comment: The p.D1258N variant (also known as c.3772G>A), located in coding exon 25 of the ANKRD26 gene, results from a G to A substitution at nucleotide position 3772. The aspartic acid at codon 1258 is replaced by asparagine, an amino acid with highly similar properties. This amino acid position is conserved. In addition, this alteration is predicted to be tolerated by in silico analysis. Based on the available evidence, the clinical significance of this variant remains unclear.